The following is an entry in ClinVar:

ClinVar aggregate classification (germline): Uncertain significance (1 of 4 stars; one submission).

Submission:

Labcorp Genetics (formerly Invitae), Labcorp
Classification: Uncertain significance. Last evaluated: 2022-07-09. Review status: criteria provided, single submitter. Criteria: Invitae Variant Classification Sherloc (09022015). Collection method: clinical testing. Allele origin: germline.
Comment: This sequence change replaces glycine, which is neutral and non-polar, with aspartic acid, which is acidic and polar, at codon 72 of the SCO2 protein (p.Gly72Asp). This variant is not present in population databases (gnomAD no frequency). This variant has not been reported in the literature in individuals affected with SCO2-related conditions. Algorithms developed to predict the effect of missense changes on protein structure and function are either unavailable or do not agree on the potential impact of this missense change (SIFT: "Tolerated"; PolyPhen-2: "Probably Damaging"; Align-GVGD: "Class C0"). In summary, the available evidence is currently insufficient to determine the role of this variant in disease. Therefore, it has been classified as a Variant of Uncertain Significance.

NM_005138.3(SCO2):c.215G>A (p.Gly72Asp)

Genes: NCAPH2 (non-SMC condensin II complex subunit H2; plus strand), SCO2 (synthesis of cytochrome C oxidase 2; minus strand). Cytogenetic location: 22q13.33.
Variant type: single nucleotide variant.
Coding change: c.215G>A on transcript NM_005138.3 (MANE Select); coding-DNA position 215, G replaced by A.
Protein change: p.Gly72Asp; replaces glycine 72 with aspartic acid.
Molecular consequence: missense variant. On other transcripts: 3 prime UTR variant (2).
Genome position (GRCh38, 1-based): chr22:50,524,197, C>T on the plus strand (G>A on the coding strand, the complement: SCO2 is on the minus strand). VCF-style: chr22-50524197-C-T. GRCh37 (hg19) VCF-style: chr22-50962626-C-T.
Other names: c.*822C>T (NM_001185011.2, NM_152299.4); c.215G>A, p.Gly72Asp (NM_001169109.2, NM_001169110.1, NM_001169111.2); short protein forms G72D.
Identifiers: ClinVar variation 2122637 (VCV002122637.1), dbSNP rs1234567016, ClinGen allele CA412193597.
Genomic context (GRCh38, chr22:50,524,197, plus strand): 5'-TCTGTTCGCTTTTGCTGCTGCAGCCTCTCCTTCTCAGCCCTCAGGGCCAGCCAGGCCCCA[C>T]CGAGTCCAGCCCCGAACAGGCCTGTGATCAGCAGCCGGGTTCGAAGCCCAGGGCCCTGGG-3'
Protein context (NP_005129.2, residues 62-82): LITGLFGAGL[Gly72Asp]GAWLALRAEK